The following is an entry in ClinVar:

NM_198282.4(STING1):c.755A>G (p.Gln252Arg)

Gene: STING1 (stimulator of interferon response cGAMP interactor 1; minus strand). Cytogenetic location: 5q31.2.
Variant type: single nucleotide variant.
Coding change: c.755A>G on transcript NM_198282.4 (MANE Select); coding-DNA position 755, A replaced by G.
Protein change: p.Gln252Arg; replaces glutamine 252 with arginine.
Molecular consequence: missense variant.
Genome position (GRCh38, 1-based): chr5:139,478,274, T>C on the plus strand (A>G on the coding strand, the complement: STING1 is on the minus strand). VCF-style: chr5-139478274-T-C. GRCh37 (hg19) VCF-style: chr5-138857859-T-C.
Other names: c.755A>G, p.Gln252Arg (NM_001301738.2); c.398A>G, p.Gln133Arg (NM_001367258.1); c.755A>G (NM_198282.2); short protein forms Q133R, Q252R.
Identifiers: ClinVar variation 2809679 (VCV002809679.4), dbSNP rs2547062741, ClinGen allele CA361479825.

ClinVar aggregate classification (germline): Uncertain significance. Review status: criteria provided, multiple submitters, no conflicts (2 of 4 stars). 2 submissions from 2 submitters: Uncertain significance (2). Last evaluated 2025-02-07.

Conditions:
STING-associated vasculopathy with onset in infancy. Also called: Sting-associated vasculopathy, infantile-onset. Identifiers: Orphanet 425120, MedGen C4014722, MONDO:0014405, OMIM 615934.
Inborn genetic diseases. Identifiers: MedGen C0950123, MeSH D030342.

Allele frequency attached by ClinVar (database versions not stated): gnomAD exomes below 0.00001.
gnomAD v4.1: 2 of 1,612,508 alleles (0.00012%); highest among the groups gnomAD compares: East Asian, 0.0022%; no homozygotes.

Submissions (2):

Ambry Genetics
Classification: Uncertain significance for Inborn genetic diseases. Last evaluated: 2025-02-07. Review status: criteria provided, single submitter. Criteria: Ambry Variant Classification Scheme 2023. Collection method: clinical testing. Allele origin: germline.

Labcorp Genetics (formerly Invitae), Labcorp
Classification: Uncertain significance for STING-associated vasculopathy with onset in infancy. Last evaluated: 2024-10-23. Review status: criteria provided, single submitter. Criteria: Invitae Variant Classification Sherloc (09022015). Collection method: clinical testing. Allele origin: germline.
Comment: This sequence change replaces glutamine, which is neutral and polar, with arginine, which is basic and polar, at codon 252 of the TMEM173 protein (p.Gln252Arg). This variant is not present in population databases (gnomAD no frequency). This variant has not been reported in the literature in individuals affected with TMEM173-related conditions. Invitae Evidence Modeling of protein sequence and biophysical properties (such as structural, functional, and spatial information, amino acid conservation, physicochemical variation, residue mobility, and thermodynamic stability) indicates that this missense variant is not expected to disrupt TMEM173 protein function with a negative predictive value of 80%. In summary, the available evidence is currently insufficient to determine the role of this variant in disease. Therefore, it has been classified as a Variant of Uncertain Significance.